The following is an entry in ClinVar:

ClinVar aggregate classification (germline): Likely benign (0 of 4 stars; one submission).

Conditions:
NF1-related disorder. Also called: NF1-related condition. Identifiers: MedGen CN379171.

Submission:

PreventionGenetics, part of Exact Sciences
Classification: Likely benign for NF1-related condition. Last evaluated: 2022-01-20. Review status: no assertion criteria provided. Collection method: clinical testing. Allele origin: germline.
Comment: This variant is classified as likely benign based on ACMG/AMP sequence variant interpretation guidelines (Richards et al. 2015 PMID: 25741868, with internal and published modifications).

NM_001042492.3(NF1):c.5813-168del

Gene: NF1 (neurofibromin 1; plus strand). Cytogenetic location: 17q11.2.
Variant type: Deletion.
Coding change: c.5813-168del on transcript NM_001042492.3 (MANE Select); 168 bases into the intron before coding-DNA position 5813, one base deleted (T; older notation c.5813-168delT).
Molecular consequence: intron variant.
Genome position (GRCh38, 1-based): chr17:31,334,670, T deleted; the last of 2 consecutive T bases (chr17:31,334,669-31,334,670); deleting either gives the same sequence. VCF-style (leftmost placement, unchanged base first): chr17-31334668-GT-G. GRCh37 (hg19) VCF-style: chr17-29661686-GT-G.
Other names: c.5750-168del (NM_000267.4).
Identifiers: ClinVar variation 3043690 (VCV003043690.2), dbSNP rs547086631, ClinGen allele CA8487237.